The following is an entry in ClinVar:

NM_018975.4(TERF2IP):c.524A>C (p.His175Pro)

Gene: TERF2IP (TERF2 interacting protein; plus strand). Cytogenetic location: 16q23.1.
Variant type: single nucleotide variant.
Coding change: c.524A>C on transcript NM_018975.4 (MANE Select); coding-DNA position 524, A replaced by C.
Protein change: p.His175Pro; replaces histidine 175 with proline.
Molecular consequence: missense variant. On other transcripts: non-coding transcript variant (1).
Genome position (GRCh38, 1-based): chr16:75,648,406, A>C. VCF-style: chr16-75648406-A-C. GRCh37 (hg19) VCF-style: chr16-75682304-A-C.
Other names: short protein forms H175P.
Identifiers: ClinVar variation 2027275 (VCV002027275.4), dbSNP rs2507074627, ClinGen allele CA396818087.
Genomic context (GRCh38, chr16:75,648,406, plus strand): 5'-CCAGCTCCGTCACCGGTAACGCCTTGTGGAAAGCGATGGAGAAGAGCTCGCTCACGCAGC[A>C]CTCGTGGCAGTCCCTGAAGGACCGCTACCTCAAGCACCTGCGGGGCCAGGAGCATAAGTA-3'
Protein context (NP_061848.2, residues 165-185): KAMEKSSLTQ[His175Pro]SWQSLKDRYL

ClinVar aggregate classification (germline): Uncertain significance (1 of 4 stars; one submission).

Submission:

Labcorp Genetics (formerly Invitae), Labcorp
Classification: Uncertain significance. Last evaluated: 2022-10-03. Review status: criteria provided, single submitter. Criteria: Invitae Variant Classification Sherloc (09022015). Collection method: clinical testing. Allele origin: germline.
Comment: In summary, the available evidence is currently insufficient to determine the role of this variant in disease. Therefore, it has been classified as a Variant of Uncertain Significance. Algorithms developed to predict the effect of missense changes on protein structure and function are either unavailable or do not agree on the potential impact of this missense change (SIFT: "Deleterious"; PolyPhen-2: "Benign"; Align-GVGD: "Class C25"). This variant has not been reported in the literature in individuals affected with TERF2IP-related conditions. This variant is not present in population databases (gnomAD no frequency). This sequence change replaces histidine, which is basic and polar, with proline, which is neutral and non-polar, at codon 175 of the TERF2IP protein (p.His175Pro).